The following is an entry in ClinVar:

ClinVar aggregate classification (germline): Uncertain significance. Review status: criteria provided, multiple submitters, no conflicts (2 of 4 stars). 6 submissions from 4 submitters: Uncertain significance (6). Last evaluated 2025-07-09.

Conditions:
Cardiovascular phenotype. Identifiers: MedGen CN230736.
Hypertrophic cardiomyopathy 2. Also called: TNNT2-Related Familial Hypertrophic Cardiomyopathy. Identifiers: MedGen C1861864, MONDO:0007266, OMIM 115195.
Cardiomyopathy, familial restrictive, 3. Identifiers: Orphanet 75249, MedGen C2676271, MONDO:0012900, OMIM 612422.
Dilated cardiomyopathy 1D. Identifiers: Orphanet 154, Orphanet 54260, MedGen C1832243, MONDO:0011095, OMIM 601494.

Allele frequency attached by ClinVar (database versions not stated): gnomAD exomes 0.00001.
gnomAD v4.1: 4 of 1,613,876 alleles (0.00025%); highest among the groups gnomAD compares: Middle Eastern, 0.033%; no homozygotes.

Submissions (6):

Labcorp Genetics (formerly Invitae), Labcorp
Classification: Uncertain significance for Cardiomyopathy, familial restrictive, 3; Hypertrophic cardiomyopathy 2; Dilated cardiomyopathy 1D. Last evaluated: 2025-07-09. Review status: criteria provided, single submitter. Criteria: Invitae Variant Classification Sherloc (09022015). Collection method: clinical testing. Allele origin: germline.
Comment: This sequence change replaces histidine, which is basic and polar, with tyrosine, which is neutral and polar, at codon 91 of the TNNT2 protein (p.His91Tyr). This variant is not present in population databases (gnomAD no frequency). This variant has not been reported in the literature in individuals affected with TNNT2-related conditions. ClinVar contains an entry for this variant (Variation ID: 1311670). Invitae Evidence Modeling of protein sequence and biophysical properties (such as structural, functional, and spatial information, amino acid conservation, physicochemical variation, residue mobility, and thermodynamic stability) indicates that this missense variant is not expected to disrupt TNNT2 protein function with a negative predictive value of 80%. In summary, the available evidence is currently insufficient to determine the role of this variant in disease. Therefore, it has been classified as a Variant of Uncertain Significance.

Genome-Nilou Lab
Classification: Uncertain significance for Dilated cardiomyopathy 1D. Last evaluated: 2023-04-11. Review status: criteria provided, single submitter. Criteria: ACMG Guidelines, 2015. Collection method: clinical testing. Allele origin: germline. Affected: no.

Genome-Nilou Lab
Classification: Uncertain significance for Cardiomyopathy, familial restrictive, 3. Last evaluated: 2023-04-11. Review status: criteria provided, single submitter. Criteria: ACMG Guidelines, 2015. Collection method: clinical testing. Allele origin: germline. Affected: no.

Genome-Nilou Lab
Classification: Uncertain significance for Hypertrophic cardiomyopathy 2. Last evaluated: 2023-04-11. Review status: criteria provided, single submitter. Criteria: ACMG Guidelines, 2015. Collection method: clinical testing. Allele origin: germline. Affected: no.

Ambry Genetics
Classification: Uncertain significance for Cardiovascular phenotype. Last evaluated: 2022-12-02. Review status: criteria provided, single submitter. Criteria: Ambry Variant Classification Scheme 2023. Collection method: clinical testing. Allele origin: germline.
Comment: The p.H91Y variant (also known as c.271C>T), located in coding exon 8 of the TNNT2 gene, results from a C to T substitution at nucleotide position 271. The histidine at codon 91 is replaced by tyrosine, an amino acid with similar properties. This amino acid position is highly conserved in available vertebrate species. In addition, the in silico prediction for this alteration is inconclusive. Since supporting evidence is limited at this time, the clinical significance of this alteration remains unclear.

GeneDx
Classification: Uncertain significance. Last evaluated: 2022-08-25. Review status: criteria provided, single submitter. Criteria: GeneDx Variant Classification Process June 2021. Collection method: clinical testing. Allele origin: germline. Affected: yes.
Comment: Not observed in large population cohorts (gnomAD); In silico analysis, which includes protein predictors and evolutionary conservation, supports a deleterious effect; Has not been previously published as pathogenic or benign to our knowledge

NM_001276345.2(TNNT2):c.301C>T (p.His101Tyr)

Gene: TNNT2 (troponin T2, cardiac type; minus strand). Cytogenetic location: 1q32.1.
Variant type: single nucleotide variant.
Coding change: c.301C>T on transcript NM_001276345.2 (MANE Select); coding-DNA position 301, C replaced by T.
Protein change: p.His101Tyr; replaces histidine 101 with tyrosine.
Molecular consequence: missense variant. On other transcripts: intron variant (1).
Genome position (GRCh38, 1-based): chr1:201,365,301, G>A on the plus strand (C>T on the coding strand, the complement: TNNT2 is on the minus strand). VCF-style: chr1-201365301-G-A. GRCh37 (hg19) VCF-style: chr1-201334429-G-A.
Other names: c.301C>T, p.His101Tyr (NM_000364.4); c.271C>T, p.His91Tyr (NM_001001430.3, NM_001001431.3, NM_001276347.2); c.256C>T, p.His86Tyr (NM_001001432.3); c.291+309C>T (NM_001276346.2); short protein forms H101Y, H86Y, H91Y.
Identifiers: ClinVar variation 1311670 (VCV001311670.7), dbSNP rs2102262282, ClinGen allele CA344206593.